The following is an entry in ClinVar:

ClinVar aggregate classification (germline): Uncertain significance (1 of 4 stars; one submission).

Conditions:
Dilated cardiomyopathy 1CC (CMD1CC). Identifiers: Orphanet 154, MedGen C2751084, MONDO:0013147, OMIM 613122.
Hypertrophic cardiomyopathy 20. Identifiers: MedGen C3151267, MONDO:0013477, OMIM 613876.

Allele frequency attached by ClinVar (database versions not stated): ExAC 0.00001; gnomAD exomes 0.00001.
gnomAD v4.1: 3 of 1,613,786 alleles (0.00019%); highest among the groups gnomAD compares: Non-Finnish European, 0.00025%; no homozygotes.

Submission:

Labcorp Genetics (formerly Invitae), Labcorp
Classification: Uncertain significance for Dilated cardiomyopathy 1CC; Hypertrophic cardiomyopathy 20. Last evaluated: 2022-02-21. Review status: criteria provided, single submitter. Criteria: Invitae Variant Classification Sherloc (09022015). Collection method: clinical testing. Allele origin: germline.
Comment: In summary, the available evidence is currently insufficient to determine the role of this variant in disease. Therefore, it has been classified as a Variant of Uncertain Significance. Algorithms developed to predict the effect of missense changes on protein structure and function are either unavailable or do not agree on the potential impact of this missense change (SIFT: "Deleterious"; PolyPhen-2: "Possibly Damaging"; Align-GVGD: "Class C0"). This variant has not been reported in the literature in individuals affected with NEXN-related conditions. The frequency data for this variant in the population databases is considered unreliable, as metrics indicate poor data quality at this position in the gnomAD database. This sequence change replaces lysine, which is basic and polar, with arginine, which is basic and polar, at codon 610 of the NEXN protein (p.Lys610Arg).

NM_144573.4(NEXN):c.1829A>G (p.Lys610Arg)

Gene: NEXN (nexilin F-actin binding protein; plus strand). Cytogenetic location: 1p31.1.
Variant type: single nucleotide variant.
Coding change: c.1829A>G on transcript NM_144573.4 (MANE Select); coding-DNA position 1829, A replaced by G.
Protein change: p.Lys610Arg; replaces lysine 610 with arginine.
Molecular consequence: missense variant.
Genome position (GRCh38, 1-based): chr1:77,942,630, A>G. VCF-style: chr1-77942630-A-G. GRCh37 (hg19) VCF-style: chr1-78408315-A-G.
Other names: c.1637A>G, p.Lys546Arg (NM_001172309.2); short protein forms K610R, K546R.
Identifiers: ClinVar variation 1989797 (VCV001989797.4), dbSNP rs755400799, ClinGen allele CA918992.
Genomic context (GRCh38, chr1:77,942,630, plus strand): 5'-ACACATCAGTTGTAGACAGTGAGCCAGTCAGATTTACGGTTAAAGTAACAGGAGAACCCA[A>G]ACCAGAAATTACATGGTGGTTTGAAGGAGAAATACTGCAGGATGGAGAAGACTATCAATA-3'
Protein context (NP_653174.3, residues 600-620): RFTVKVTGEP[Lys610Arg]PEITWWFEGE